The following is an entry in ClinVar:

NM_001099922.3(ALG13):c.2525A>G (p.Gln842Arg)

Gene: ALG13 (ALG13 UDP-N-acetylglucosaminyltransferase subunit; plus strand). Cytogenetic location: Xq23.
Variant type: single nucleotide variant.
Coding change: c.2525A>G on transcript NM_001099922.3 (MANE Select); coding-DNA position 2525, A replaced by G.
Protein change: p.Gln842Arg; replaces glutamine 842 with arginine.
Molecular consequence: missense variant. On other transcripts: non-coding transcript variant (1).
Genome position (GRCh38, 1-based): chrX:111,735,118, A>G. VCF-style: chrX-111735118-A-G. GRCh37 (hg19) VCF-style: chrX-110978346-A-G.
Other names: c.2213A>G, p.Gln738Arg (NM_001257230.2, NM_001257234.2, NM_001257237.2); c.2291A>G, p.Gln764Arg (NM_001257231.2); c.2525A>G, p.Gln842Arg (NM_001324292.2); c.2039A>G, p.Gln680Arg (NM_001324293.1); short protein forms Q680R, Q738R, Q764R, Q842R.
Identifiers: ClinVar variation 1327126 (VCV001327126.4), dbSNP rs964205254, ClinGen allele CA334445087.

ClinVar aggregate classification (germline): Uncertain significance. Review status: criteria provided, multiple submitters, no conflicts (2 of 4 stars). 2 submissions from 2 submitters: Uncertain significance (2). Last evaluated 2025-09-29.

Conditions:
SUDDEN INFANT DEATH SYNDROME (SIDS). Also called: Sudden Infant Death. Identifiers: MedGen C0038644, MeSH D013398, OMIM 272120.

Submissions (2):

Dasa
Classification: Uncertain significance. Last evaluated: 2025-09-29. Review status: criteria provided, single submitter. Criteria: DASA Assertion Criteria. Collection method: clinical testing. Allele origin: germline.
Comment: NM_001099922.3(ALG13):c.2525A>G (p.Gln842Arg) is a missense variant that results in the substitution of glutamine with arginine. This variant is rare in population databases. Computational prediction algorithms are consistent with a benign effect. The currently available literature and clinical evidence are not sufficient to establish a definitive association between this variant and the reported condition. Therefore, this variant is classified as a variant of uncertain significance.

Robert's Program, Boston Children's Hospital
Classification: Uncertain significance for SUDDEN INFANT DEATH SYNDROME. Last evaluated: 2021-10-01. Review status: criteria provided, single submitter. Criteria: ACMG Guidelines, 2015. Collection method: research. Allele origin: germline. Affected: yes.
Comment: We classify this variant as a variant of uncertain significance using ACMG/AMP criteria. As this variant has been validated in an exome-wide approach, we suspect this variant is favoring pathogenic.